The following is an entry in ClinVar:

NM_000733.4(CD3E):c.104-17C>T

Gene: CD3E (CD3 epsilon subunit of T-cell receptor complex; plus strand). Cytogenetic location: 11q23.3.
Variant type: single nucleotide variant.
Coding change: c.104-17C>T on transcript NM_000733.4 (MANE Select); 17 bases into the intron before coding-DNA position 104, C replaced by T.
Molecular consequence: intron variant.
Genome position (GRCh38, 1-based): chr11:118,312,601, C>T. VCF-style: chr11-118312601-C-T. GRCh37 (hg19) VCF-style: chr11-118183316-C-T.
Identifiers: ClinVar variation 136689 (VCV000136689.11), dbSNP rs2231443, ClinGen allele CA289996.

ClinVar aggregate classification (germline): Benign. Review status: criteria provided, multiple submitters, no conflicts (2 of 4 stars). 3 submissions from 3 submitters: Benign (3). Last evaluated 2026-02-02.

Conditions:
Immunodeficiency 18 (IMD18). Also called: CD3-EPSILON DEFICIENCY; CD3epsilon deficiency. Identifiers: MedGen C3810127, MONDO:0014278, OMIM 615615.

Allele frequency attached by ClinVar (database versions not stated): 1000 Genomes Project 0.00639; 1000 Genomes Project 30x 0.00671; TOPMed 0.00780; gnomAD exomes 0.00873 and 0.01271; ExAC 0.00878; gnomAD 0.00893 and 0.00897; ESP Exome Variant Server 0.00924.

Submissions (3):

Labcorp Genetics (formerly Invitae), Labcorp
Classification: Benign for Immunodeficiency 18. Last evaluated: 2026-02-02. Review status: criteria provided, single submitter. Criteria: Invitae Variant Classification Sherloc (09022015). Collection method: clinical testing. Allele origin: germline.

GeneDx
Classification: Benign. Last evaluated: 2013-06-06. Review status: criteria provided, single submitter. Criteria: GeneDx Variant Classification (06012015). Collection method: clinical testing. Allele origin: germline. Affected: yes.
Comment: This variant is considered likely benign or benign based on one or more of the following criteria: it is a conservative change, it occurs at a poorly conserved position in the protein, it is predicted to be benign by multiple in silico algorithms, and/or has population frequency not consistent with disease.

Breakthrough Genomics
Classification: Benign. Review status: criteria provided, single submitter. Criteria: ACMG Guidelines, 2015. Collection method: not provided. Allele origin: germline. Inheritance: Autosomal recessive inheritance. Affected: yes.